The following is an entry in ClinVar:

NM_152296.5(ATP1A3):c.1717C>T (p.Leu573Phe)

Gene: ATP1A3 (ATPase Na+/K+ transporting subunit alpha 3; minus strand). Cytogenetic location: 19q13.2.
Variant type: single nucleotide variant.
Coding change: c.1717C>T on transcript NM_152296.5 (MANE Select); coding-DNA position 1717, C replaced by T.
Protein change: p.Leu573Phe; replaces leucine 573 with phenylalanine.
Molecular consequence: missense variant.
Genome position (GRCh38, 1-based): chr19:41,978,240, G>A on the plus strand (C>T on the coding strand, the complement: ATP1A3 is on the minus strand). VCF-style: chr19-41978240-G-A. GRCh37 (hg19) VCF-style: chr19-42482392-G-A.
Other names: c.1750C>T, p.Leu584Phe (NM_001256213.2); c.1756C>T, p.Leu586Phe (NM_001256214.2); short protein forms L573F, L584F, L586F.
Identifiers: ClinVar variation 4802153 (VCV004802153.1).
Genomic context (GRCh38, chr19:41,978,240, plus strand): 5'-CCGCGTCAGGGACGGCTGCCCGGGGTGGGTCGATCATGGACATGAGGCCCACAAAGCAGA[G>A]GTTGTCCGTGGTGAAGTTCACGTCATCACAGTCGAAGGCAAAGCCCTTGGGGAACTGCTC-3'
Protein context (NP_689509.1, residues 563-583): CDDVNFTTDN[Leu573Phe]CFVGLMSMID

ClinVar aggregate classification (germline): Uncertain significance (1 of 4 stars; one submission).

Conditions:
Dystonia 12 (DYT12). Also called: DYT-ATP1A3; Rapid-Onset Dystonia-Parkinsonism (RDP). Identifiers: Orphanet 71517, MedGen C1868681, MONDO:0007496, OMIM 128235.

gnomAD v4.1: 1 of 1,614,094 alleles (0.000062%); highest among the groups gnomAD compares: Non-Finnish European, 0.000085%; no homozygotes.

Submission:

Labcorp Genetics (formerly Invitae), Labcorp
Classification: Uncertain significance for Dystonia 12. Last evaluated: 2025-05-18. Review status: criteria provided, single submitter. Criteria: Invitae Variant Classification Sherloc (09022015). Collection method: clinical testing. Allele origin: germline.
Comment: This sequence change replaces leucine, which is neutral and non-polar, with phenylalanine, which is neutral and non-polar, at codon 573 of the ATP1A3 protein (p.Leu573Phe). This variant is present in population databases (no rsID available, gnomAD 0.0009%). This variant has not been reported in the literature in individuals affected with ATP1A3-related conditions. Invitae Evidence Modeling of protein sequence and biophysical properties (such as structural, functional, and spatial information, amino acid conservation, physicochemical variation, residue mobility, and thermodynamic stability) indicates that this missense variant is expected to disrupt ATP1A3 protein function with a positive predictive value of 80%. In summary, the available evidence is currently insufficient to determine the role of this variant in disease. Therefore, it has been classified as a Variant of Uncertain Significance.